The following is an entry in ClinVar:

NM_003664.5(AP3B1):c.2470+1G>A

Gene: AP3B1 (adaptor related protein complex 3 subunit beta 1; minus strand). Cytogenetic location: 5q14.1.
Variant type: single nucleotide variant.
Coding change: c.2470+1G>A on transcript NM_003664.5 (MANE Select); the canonical splice donor site of the intron after coding-DNA position 2470, G replaced by A.
Molecular consequence: splice donor variant.
Genome position (GRCh38, 1-based): chr5:78,100,952, C>T on the plus strand (G>A on the coding strand, the complement: AP3B1 is on the minus strand). VCF-style: chr5-78100952-C-T. GRCh37 (hg19) VCF-style: chr5-77396776-C-T.
Other names: c.2323+1G>A (NM_001271769.2); c.2470+1G>A (NM_001410752.1).
Identifiers: ClinVar variation 4292984 (VCV004292984.1).

ClinVar aggregate classification (germline): Pathogenic (1 of 4 stars; one submission).

Conditions:
Hermansky-Pudlak syndrome 2 (HPS2). Also called: Platelet defects and oculocutaneous albinism. Identifiers: Orphanet 183678, Orphanet 79430, MedGen C1842362, MONDO:0011997, OMIM 608233.

Submission:

3billion
Classification: Pathogenic for Hermansky-Pudlak syndrome 2. Last evaluated: 2025-04-23. Review status: criteria provided, single submitter. Criteria: ACMG Guidelines, 2015. Collection method: clinical testing. Allele origin: germline. Affected: yes.
Comment: The variant is not observed in the gnomAD v4.1.0 dataset. Predicted Consequence/Location: Canonical splice site: predicted to alter splicing and result in a loss or disruption of normal protein function. Multiple pathogenic loss-of-function variants are reported downstream of the variant. The variant was homozygous. In silico tools predict the variant to alter splicing and produce an abnormal transcript [SpliceAI: 1.00 (spliceogenicity >=0.2, non-spliceogenicity <0.1)]. Therefore, this variant is classified as Pathogenic according to the recommendation of ACMG/AMP guideline.